The following is an entry in ClinVar:

ClinVar aggregate classification (germline): Benign/Likely benign. Review status: criteria provided, multiple submitters, no conflicts (2 of 4 stars). 11 submissions from 11 submitters: Benign (7); Likely benign (1). 3 of the submissions do not count toward it. Last evaluated 2026-05-08.

Conditions:
Epiphyseal dysplasia, multiple, 2 (EDM2). Also called: COL9A2-Related Multiple Epiphyseal Dysplasia. Identifiers: MedGen C1838429, MONDO:0010844, OMIM 600204.

Allele frequency attached by ClinVar (database versions not stated): gnomAD exomes 0.24807 and 0.30431; ESP Exome Variant Server 0.27810; gnomAD 0.29671 and 0.30096; ExAC 0.30335; TOPMed 0.31729; 1000 Genomes Project 30x 0.39288; 1000 Genomes Project 0.39736.
gnomAD v4.1: 408,863 of 1,613,126 alleles (25%); highest among the groups gnomAD compares: East Asian, 65%; 59,315 homozygotes.

Submissions (11):

Women's Health and Genetics/Laboratory Corporation of America, LabCorp
Classification: Likely benign. Last evaluated: 2026-05-08. Review status: criteria provided, single submitter. Criteria: LabCorp Variant Classification Summary - May 2015. Collection method: clinical testing. Allele origin: germline.

Labcorp Genetics (formerly Invitae), Labcorp
Classification: Benign. Last evaluated: 2026-02-04. Review status: criteria provided, single submitter. Criteria: Invitae Variant Classification Sherloc (09022015). Collection method: clinical testing. Allele origin: germline.

Blueprint Genetics
Classification: Benign. Last evaluated: 2024-11-26. Review status: criteria provided, single submitter. Criteria: ACMG Guidelines, 2015. Collection method: clinical testing. Allele origin: germline.

Mayo Clinic Laboratories, Mayo Clinic
Classification: Benign. Last evaluated: 2020-10-02. Review status: criteria provided, single submitter. Criteria: ACMG Guidelines, 2015. Collection method: clinical testing. Allele origin: germline. Observed: 78 variant alleles.

Illumina Laboratory Services, Illumina
Classification: Benign for Epiphyseal dysplasia, multiple, 2. Last evaluated: 2018-01-13. Review status: criteria provided, single submitter. Criteria: ICSL Variant Classification Criteria 13 December 2019. Collection method: clinical testing. Allele origin: germline.
Comment: This variant was observed in the ICSL laboratory as part of a predisposition screen in an ostensibly healthy population. It had not been previously curated by ICSL or reported in the Human Gene Mutation Database (HGMD: prior to June 1st, 2018), and was therefore a candidate for classification through an automated scoring system. Utilizing variant allele frequency, disease prevalence and penetrance estimates, and inheritance mode, an automated score was calculated to assess if this variant is too frequent to cause the disease. Based on the score and internal cut-off values, a variant classified as benign is not then subjected to further curation. The score for this variant resulted in a classification of benign for this disease.

GeneDx
Classification: Benign. Last evaluated: 2016-09-29. Review status: criteria provided, single submitter. Criteria: GeneDx Variant Classification (06012015). Collection method: clinical testing. Allele origin: germline. Affected: yes.
Comment: This variant is considered likely benign or benign based on one or more of the following criteria: it is a conservative change, it occurs at a poorly conserved position in the protein, it is predicted to be benign by multiple in silico algorithms, and/or has population frequency not consistent with disease.

Breakthrough Genomics
Classification: Benign. Review status: criteria provided, single submitter. Criteria: ACMG Guidelines, 2015. Collection method: not provided. Allele origin: germline. Inheritance: Autosomal recessive inheritance. Affected: yes.

PreventionGenetics, part of Exact Sciences
Classification: Benign. Review status: criteria provided, single submitter. Criteria: ACMG Guidelines, 2015. Collection method: clinical testing. Allele origin: germline.

Clinical Genetics DNA and cytogenetics Diagnostics Lab, Erasmus MC, Erasmus Medical Center
Classification: Benign. Review status: no assertion criteria provided. Collection method: clinical testing. Allele origin: germline. Affected: yes. Study: VKGL Data-share Consensus. Not counted in ClinVar's aggregate classification.

Genome Diagnostics Laboratory, Amsterdam University Medical Center
Classification: Benign. Review status: no assertion criteria provided. Collection method: clinical testing. Allele origin: germline. Affected: yes. Study: VKGL Data-share Consensus. Not counted in ClinVar's aggregate classification.

Joint Genome Diagnostic Labs from Nijmegen and Maastricht, Radboudumc and MUMC+
Classification: Benign. Review status: no assertion criteria provided. Collection method: clinical testing. Allele origin: germline. Affected: yes. Study: VKGL Data-share Consensus. Not counted in ClinVar's aggregate classification.

NM_001852.4(COL9A2):c.977A>G (p.Gln326Arg)

Gene: COL9A2 (collagen type IX alpha 2 chain; minus strand). Cytogenetic location: 1p34.2.
Variant type: single nucleotide variant.
Coding change: c.977A>G on transcript NM_001852.4 (MANE Select); coding-DNA position 977, A replaced by G.
Protein change: p.Gln326Arg; replaces glutamine 326 with arginine.
Molecular consequence: missense variant.
Genome position (GRCh38, 1-based): chr1:40,307,477, T>C on the plus strand (A>G on the coding strand, the complement: COL9A2 is on the minus strand). VCF-style: chr1-40307477-T-C. GRCh37 (hg19) VCF-style: chr1-40773149-T-C.
Other names: short protein forms Q326R.
Identifiers: ClinVar variation 258399 (VCV000258399.22), dbSNP rs2228564, ClinGen allele CA791645.